The following is an entry in ClinVar:

NM_002693.3(POLG):c.3462G>T (p.Gln1154His)

Gene: POLG (DNA polymerase gamma, catalytic subunit; minus strand). Cytogenetic location: 15q26.1.
Variant type: single nucleotide variant.
Coding change: c.3462G>T on transcript NM_002693.3 (MANE Select); coding-DNA position 3462, G replaced by T.
Protein change: p.Gln1154His; replaces glutamine 1154 with histidine.
Molecular consequence: missense variant.
Genome position (GRCh38, 1-based): chr15:89,318,561, C>A on the plus strand (G>T on the coding strand, the complement: POLG is on the minus strand). VCF-style: chr15-89318561-C-A. GRCh37 (hg19) VCF-style: chr15-89861792-C-A.
Other names: c.3462G>T, p.Gln1154His (NM_001126131.2); short protein forms Q1154H.
Identifiers: ClinVar variation 2003650 (VCV002003650.4), dbSNP rs2509201788, ClinGen allele CA393749683.

ClinVar aggregate classification (germline): Uncertain significance (1 of 4 stars; one submission).

Conditions:
Progressive sclerosing poliodystrophy (MTDPS4A). Also called: Mitochondrial DNA Depletion Syndrome 4A; ALPERS PROGRESSIVE INFANTILE POLIODYSTROPHY; NEURONAL DEGENERATION OF CHILDHOOD WITH LIVER DISEASE, PROGRESSIVE; Mitochondrial DNA depletion syndrome 4A (Alpers type); Alpers Syndrome; ALPERS DIFFUSE DEGENERATION OF CEREBRAL GRAY MATTER WITH HEPATIC CIRRHOSIS. Identifiers: Orphanet 726, MedGen C0205710, MONDO:0008758, OMIM 203700.

gnomAD v4.1: 1 of 1,613,624 alleles (0.000062%); highest among the groups gnomAD compares: Middle Eastern, 0.018%; no homozygotes.

Submission:

Labcorp Genetics (formerly Invitae), Labcorp
Classification: Uncertain significance for Progressive sclerosing poliodystrophy. Last evaluated: 2023-04-24. Review status: criteria provided, single submitter. Criteria: Invitae Variant Classification Sherloc (09022015). Collection method: clinical testing. Allele origin: germline.
Comment: In summary, the available evidence is currently insufficient to determine the role of this variant in disease. Therefore, it has been classified as a Variant of Uncertain Significance. Advanced modeling of protein sequence and biophysical properties (such as structural, functional, and spatial information, amino acid conservation, physicochemical variation, residue mobility, and thermodynamic stability) has been performed at Invitae for this missense variant, however the output from this modeling did not meet the statistical confidence thresholds required to predict the impact of this variant on POLG protein function. ClinVar contains an entry for this variant (Variation ID: 2003650). This variant has not been reported in the literature in individuals affected with POLG-related conditions. This variant is not present in population databases (gnomAD no frequency). This sequence change replaces glutamine, which is neutral and polar, with histidine, which is basic and polar, at codon 1154 of the POLG protein (p.Gln1154His).